The following is an entry in ClinVar:

NM_001111.5(ADAR):c.3289C>A (p.His1097Asn)

Gene: ADAR (adenosine deaminase RNA specific; minus strand). Cytogenetic location: 1q21.3.
Variant type: single nucleotide variant.
Coding change: c.3289C>A on transcript NM_001111.5 (MANE Select); coding-DNA position 3289, C replaced by A.
Protein change: p.His1097Asn; replaces histidine 1097 with asparagine.
Molecular consequence: missense variant.
Genome position (GRCh38, 1-based): chr1:154,585,779, G>T on the plus strand (C>A on the coding strand, the complement: ADAR is on the minus strand). VCF-style: chr1-154585779-G-T. GRCh37 (hg19) VCF-style: chr1-154558255-G-T.
Other names: c.3289C>A, p.His1097Asn (LRG_1212t1); c.2404C>A, p.His802Asn (NM_001025107.3, NM_001193495.2, NM_001365046.1 and 2 more transcripts); c.3316C>A, p.His1106Asn (NM_001365045.1); c.2326C>A, p.His776Asn (NM_001365049.1); c.3211C>A, p.His1071Asn (NM_015840.4); c.3154C>A, p.His1052Asn (NM_015841.4); short protein forms H1097N, H1071N, H1106N, H776N, H802N, H1052N.
Identifiers: ClinVar variation 292761 (VCV000292761.32), dbSNP rs200537032, ClinGen allele CA1130999.

ClinVar aggregate classification (germline): Conflicting classifications of pathogenicity. Review status: criteria provided, conflicting classifications (1 of 4 stars). 5 submissions from 5 submitters: Uncertain significance (4); Likely benign (1). Last evaluated 2026-01-01.

Conditions:
Inborn genetic diseases. Identifiers: MedGen C0950123, MeSH D030342.
Symmetrical dyschromatosis of extremities (DSH). Also called: SYMMETRIC DYSCHROMATOSIS OF THE EXTREMITIES; Dyschromatosis symmetrica hereditaria; DYSCHROMATOSIS SYMMETRICA HEREDITARIA 1; RETICULATE ACROPIGMENTATION OF DOHI. Identifiers: Orphanet 41, MedGen C0406775, MONDO:0007483, OMIM 127400.
Aicardi-Goutieres syndrome 6 (AGS6). Identifiers: Orphanet 51, MedGen C3539013, MONDO:0014007, OMIM 615010.

Allele frequency attached by ClinVar (database versions not stated): TOPMed 0.00002; gnomAD 0.00003; 1000 Genomes Project 30x 0.00016; 1000 Genomes Project 0.00020.
gnomAD v4.1: 80 of 1,613,942 alleles (0.005%); highest among the groups gnomAD compares: Middle Eastern, 0.083%; 1 homozygote.

Submissions (5):

CeGaT Center for Human Genetics Tuebingen
Classification: Likely benign. Last evaluated: 2026-01-01. Review status: criteria provided, single submitter. Criteria: CeGaT Center For Human Genetics Tuebingen Variant Classification Criteria Version 2. Collection method: clinical testing. Allele origin: germline. Affected: yes. Observed: 3 variant alleles.
Comment: ADAR: BP4

Labcorp Genetics (formerly Invitae), Labcorp
Classification: Uncertain significance for Aicardi-Goutieres syndrome 6; Symmetrical dyschromatosis of extremities. Last evaluated: 2025-12-28. Review status: criteria provided, single submitter. Criteria: Invitae Variant Classification Sherloc (09022015). Collection method: clinical testing. Allele origin: germline.
Comment: This sequence change replaces histidine, which is basic and polar, with asparagine, which is neutral and polar, at codon 1097 of the ADAR protein (p.His1097Asn). This variant is present in population databases (rs200537032, gnomAD 0.02%). This variant has not been reported in the literature in individuals affected with ADAR-related conditions. ClinVar contains an entry for this variant (Variation ID: 292761). Invitae Evidence Modeling of protein sequence and biophysical properties (such as structural, functional, and spatial information, amino acid conservation, physicochemical variation, residue mobility, and thermodynamic stability) indicates that this missense variant is not expected to disrupt ADAR protein function with a negative predictive value of 80%. In summary, the available evidence is currently insufficient to determine the role of this variant in disease. Therefore, it has been classified as a Variant of Uncertain Significance.

Ambry Genetics
Classification: Uncertain significance for Inborn genetic diseases. Last evaluated: 2023-01-23. Review status: criteria provided, single submitter. Criteria: Ambry Variant Classification Scheme 2023. Collection method: clinical testing. Allele origin: germline.

Revvity Omics, Revvity
Classification: Uncertain significance. Last evaluated: 2022-08-19. Review status: criteria provided, single submitter. Criteria: ACMG Guidelines, 2015. Collection method: clinical testing. Allele origin: germline.

Blueprint Genetics
Classification: Uncertain significance. Last evaluated: 2022-07-29. Review status: criteria provided, single submitter. Criteria: ACMG Guidelines, 2015. Collection method: clinical testing. Allele origin: germline.